The following is an entry in ClinVar:

NM_001267550.2(TTN):c.71685_71686insAAATA (p.Ala23896delinsLysTer)

Genes: TTN (titin; minus strand), TTN-AS1 (TTN antisense RNA 1; plus strand). Cytogenetic location: 2q31.2.
Variant type: Insertion.
Coding change: c.71685_71686insAAATA on transcript NM_001267550.2 (MANE Select); coding-DNA positions 71685 to 71686, AAATA inserted.
Protein change: p.Ala23896delinsLysTer.
Molecular consequence: nonsense.
Genome position: GRCh38 VCF-style: chr2-178574446-C-CTATTT. GRCh37 (hg19) VCF-style: chr2-179439173-C-CTATTT.
Other names: c.71685_71686insAAATA (NM_001267550.1); c.66762_66763insAAATA, p.Ala22255delinsLysTer (NM_001256850.1); c.44490_44491insAAATA, p.Ala14831delinsLysTer (NM_003319.4); c.63981_63982insAAATA, p.Ala21328delinsLysTer (NM_133378.4); c.44865_44866insAAATA, p.Ala14956delinsLysTer (NM_133432.3); c.45066_45067insAAATA, p.Ala15023delinsLysTer (NM_133437.4).
Identifiers: ClinVar variation 943086 (VCV000943086.15), dbSNP rs1709360511, ClinGen allele CA430257494.

ClinVar aggregate classification (germline): Likely pathogenic. Review status: criteria provided, multiple submitters, no conflicts (2 of 4 stars). 3 submissions from 3 submitters: Likely pathogenic (3). Last evaluated 2025-12-09.

Conditions:
Cardiovascular phenotype. Identifiers: MedGen CN230736.
Dilated cardiomyopathy 1G (CMD1G). Identifiers: Orphanet 154, MedGen C1858763, MONDO:0011400, OMIM 604145.
Autosomal recessive limb-girdle muscular dystrophy type 2J (LGMDR10). Also called: Limb-girdle muscular dystrophy, type 2J; MUSCULAR DYSTROPHY, LIMB-GIRDLE, AUTOSOMAL RECESSIVE 10. Identifiers: Orphanet 140922, MedGen C1837342, MONDO:0012127, OMIM 608807.

Allele frequency attached by ClinVar (database versions not stated): gnomAD exomes below 0.00001.

Submissions (3):

Labcorp Genetics (formerly Invitae), Labcorp
Classification: Likely pathogenic for Dilated cardiomyopathy 1G; Autosomal recessive limb-girdle muscular dystrophy type 2J. Last evaluated: 2025-12-09. Review status: criteria provided, single submitter. Criteria: Invitae Variant Classification Sherloc (09022015). Collection method: clinical testing. Allele origin: germline.
Comment: This sequence change creates a premature translational stop signal (p.Ala23896delinsLys*) in the TTN gene. While this is not anticipated to result in nonsense mediated decay, it is expected to create a truncated TTN protein. This variant is not present in population databases (gnomAD no frequency). This premature translational stop signal has been observed in individual(s) with dilated cardiomyopathy (internal data). ClinVar contains an entry for this variant (Variation ID: 943086). This variant is located in the A band of TTN (PMID: 25589632). Truncating variants in this region are significantly overrepresented in patients affected with dilated cardiomyopathy (PMID: 25589632). Truncating variants in this region have also been reported in individuals affected with autosomal recessive centronuclear myopathy (PMID: 23975875). In summary, the currently available evidence indicates that the variant is pathogenic, but additional data are needed to prove that conclusively. Therefore, this variant has been classified as Likely Pathogenic.

GeneDx
Classification: Likely pathogenic. Last evaluated: 2025-11-05. Review status: criteria provided, single submitter. Criteria: GeneDx Variant Classification Process June 2021. Collection method: clinical testing. Allele origin: germline.
Comment: Frameshift variant predicted to result in protein truncation or nonsense mediated decay in a gene for which loss of function is a known mechanism of disease; Located in the A-band, a region of TTN for which truncating variants are significantly associated with autosomal dominant cardiomyopathy and also with autosomal recessive skeletal myopathies (PMID: 22335739, 32778822); Not observed at significant frequency in large population cohorts (gnomAD); Has not been previously published as pathogenic or benign to our knowledge; This variant is associated with the following publications: (PMID: 22335739, 32778822)

Ambry Genetics
Classification: Likely pathogenic for Cardiovascular phenotype. Last evaluated: 2023-06-28. Review status: criteria provided, single submitter. Criteria: Ambry Variant Classification Scheme 2023. Collection method: clinical testing. Allele origin: germline.
Comment: The c.44490_44491insAAATA variant, located in coding exon 153 of the TTN gene, results from an insertion of 5 nucleotides at position 44490, causing a translational frameshift with a predicted alternate stop codon (p.A14831Kfs*2). This exon is located in the A-band region of the N2-B isoform of the titin protein and is constitutively expressed in TTN transcripts (percent spliced in or PSI 100%). This variant is considered to be rare based on population cohorts in the Genome Aggregation Database (gnomAD). This alteration is expected to result in loss of function by premature protein truncation or nonsense-mediated mRNA decay. While truncating variants in TTN are present in 1-3% of the general population, truncating variants in the A-band are the most common cause of dilated cardiomyopathy (DCM) (Herman DS et al. N. Engl. J. Med., 2012 Feb;366:619-28; Roberts AM et al. Sci Transl Med, 2015 Jan;7:270ra6). TTN truncating variants encoded in constitutive exons (PSI >90%) have been found to be significantly associated with DCM regardless of their position in titin (Schafer S et al. Nat. Genet., 2017 01;49:46-53). Based on the majority of available evidence to date, this variant is likely to be pathogenic.

Literature cited by the submitters: PubMed 25589632 (cited by Labcorp Genetics (formerly Invitae), Labcorp); PubMed 23975875 (cited by Labcorp Genetics (formerly Invitae), Labcorp).